The following is an entry in ClinVar:

NM_001347721.2(DYRK1A):c.1510T>A (p.Ser504Thr)

Gene: DYRK1A (dual specificity tyrosine phosphorylation regulated kinase 1A; plus strand). Cytogenetic location: 21q22.13.
Variant type: single nucleotide variant.
Coding change: c.1510T>A on transcript NM_001347721.2 (MANE Select); coding-DNA position 1510, T replaced by A.
Protein change: p.Ser504Thr; replaces serine 504 with threonine.
Molecular consequence: missense variant.
Genome position (GRCh38, 1-based): chr21:37,505,580, T>A. VCF-style: chr21-37505580-T-A. GRCh37 (hg19) VCF-style: chr21-38877883-T-A.
Other names: c.1510T>A, p.Ser504Thr (NM_001347722.2, NM_130436.2); c.1423T>A, p.Ser475Thr (NM_001347723.2); c.1537T>A, p.Ser513Thr (NM_001396.5, NM_101395.2, NM_130438.2); short protein forms S513T, S475T, S504T.
Identifiers: ClinVar variation 472244 (VCV000472244.9), dbSNP rs1447174732, ClinGen allele CA409938753.

ClinVar aggregate classification (germline): Uncertain significance (1 of 4 stars; one submission).

Conditions:
DYRK1A-related intellectual disability syndrome (MRD7). Also called: Intellectual developmental disorder, autosomal dominant 7; DYRK1A Syndrome. Identifiers: Orphanet 464306, MedGen C5568143, MONDO:0013578, OMIM 614104.

Allele frequency attached by ClinVar (database versions not stated): gnomAD exomes below 0.00001 and 0.00001.
gnomAD v4.1: 2 of 1,603,360 alleles (0.00012%); highest among the groups gnomAD compares: Admixed American, 0.0033%; no homozygotes.

Submission:

Labcorp Genetics (formerly Invitae), Labcorp
Classification: Uncertain significance for DYRK1A-related intellectual disability syndrome. Last evaluated: 2024-08-11. Review status: criteria provided, single submitter. Criteria: Invitae Variant Classification Sherloc (09022015). Collection method: clinical testing. Allele origin: germline.
Comment: This sequence change replaces serine, which is neutral and polar, with threonine, which is neutral and polar, at codon 513 of the DYRK1A protein (p.Ser513Thr). This variant is present in population databases (no rsID available, gnomAD 0.006%). This variant has not been reported in the literature in individuals affected with DYRK1A-related conditions. ClinVar contains an entry for this variant (Variation ID: 472244). Advanced modeling of protein sequence and biophysical properties (such as structural, functional, and spatial information, amino acid conservation, physicochemical variation, residue mobility, and thermodynamic stability) performed at Invitae indicates that this missense variant is not expected to disrupt DYRK1A protein function with a negative predictive value of 95%. In summary, the available evidence is currently insufficient to determine the role of this variant in disease. Therefore, it has been classified as a Variant of Uncertain Significance.